The following is an entry in ClinVar:

NM_003227.4(TFR2):c.1801G>A (p.Glu601Lys)

Gene: TFR2 (transferrin receptor 2; minus strand). Cytogenetic location: 7q22.1.
Variant type: single nucleotide variant.
Coding change: c.1801G>A on transcript NM_003227.4 (MANE Select); coding-DNA position 1801, G replaced by A.
Protein change: p.Glu601Lys; replaces glutamic acid 601 with lysine.
Molecular consequence: missense variant.
Genome position (GRCh38, 1-based): chr7:100,627,458, C>T on the plus strand (G>A on the coding strand, the complement: TFR2 is on the minus strand). VCF-style: chr7-100627458-C-T. GRCh37 (hg19) VCF-style: chr7-100225081-C-T.
Other names: c.1288G>A, p.Glu430Lys (NM_001206855.3); short protein forms E430K, E601K.
Identifiers: ClinVar variation 4851894 (VCV004851894.1).

ClinVar aggregate classification (germline): Uncertain significance (1 of 4 stars; one submission).

gnomAD v4.1: 3 of 1,603,680 alleles (0.00019%); highest among the groups gnomAD compares: African/African-American, 0.004%; no homozygotes.

Submission:

Dasa
Classification: Uncertain significance. Last evaluated: 2024-09-04. Review status: criteria provided, single submitter. Criteria: DASA Assertion Criteria. Collection method: clinical testing. Allele origin: germline.
Comment: NM_003227.4(TFR2):c.1801G>A (p.Glu601Lys) is a missense variant that results in the substitution of glutamic acid with lysine. The affected residue or protein region has prior evidence supporting clinical relevance. This variant has been observed in affected individuals with related phenotype in a genotype context consistent with recessive disease. Multiple computational predictions suggest no deleterious effect on the gene or gene product. The variant is present at low frequency in population datasets. Based on the available data, this variant is classified as variant of uncertain significance.